The following is an entry in ClinVar:

NM_004958.4(MTOR):c.2044C>G (p.Arg682Gly)

Gene: MTOR (mechanistic target of rapamycin kinase; minus strand). Cytogenetic location: 1p36.22.
Variant type: single nucleotide variant.
Coding change: c.2044C>G on transcript NM_004958.4 (MANE Select); coding-DNA position 2044, C replaced by G.
Protein change: p.Arg682Gly; replaces arginine 682 with glycine.
Molecular consequence: missense variant.
Genome position (GRCh38, 1-based): chr1:11,238,007, G>C on the plus strand (C>G on the coding strand, the complement: MTOR is on the minus strand). VCF-style: chr1-11238007-G-C. GRCh37 (hg19) VCF-style: chr1-11298064-G-C.
Other names: c.2044C>G, p.Arg682Gly (NM_001386500.1); c.796C>G, p.Arg266Gly (NM_001386501.1); short protein forms R682G, R266G.
Identifiers: ClinVar variation 2702840 (VCV002702840.3), dbSNP rs747836080, ClinGen allele CA338388123.

ClinVar aggregate classification (germline): Uncertain significance (1 of 4 stars; one submission).

Submission:

Labcorp Genetics (formerly Invitae), Labcorp
Classification: Uncertain significance. Last evaluated: 2023-12-13. Review status: criteria provided, single submitter. Criteria: Invitae Variant Classification Sherloc (09022015). Collection method: clinical testing. Allele origin: germline.
Comment: This sequence change replaces arginine, which is basic and polar, with glycine, which is neutral and non-polar, at codon 682 of the MTOR protein (p.Arg682Gly). This variant is not present in population databases (gnomAD no frequency). This variant has not been reported in the literature in individuals affected with MTOR-related conditions. Advanced modeling of protein sequence and biophysical properties (such as structural, functional, and spatial information, amino acid conservation, physicochemical variation, residue mobility, and thermodynamic stability) performed at Invitae indicates that this missense variant is not expected to disrupt MTOR protein function with a negative predictive value of 95%. In summary, the available evidence is currently insufficient to determine the role of this variant in disease. Therefore, it has been classified as a Variant of Uncertain Significance.